The following is an entry in ClinVar:

ClinVar aggregate classification (germline): Conflicting classifications of pathogenicity. Review status: criteria provided, conflicting classifications (1 of 4 stars). 2 submissions from 2 submitters: Uncertain significance (1); Likely benign (1). Last evaluated 2025-09-15.

Conditions:
Hereditary cancer-predisposing syndrome. Also called: Tumor predisposition; Hereditary neoplastic syndrome; Neoplastic Syndromes, Hereditary; Hereditary Cancer Syndrome. Identifiers: Orphanet 140162, MedGen C0027672, MeSH D009386, MONDO:0015356.
Familial adenomatous polyposis 2. Also called: MUTYH Polyposis; COLORECTAL ADENOMATOUS POLYPOSIS, AUTOSOMAL RECESSIVE; ADENOMAS, MULTIPLE COLORECTAL, AUTOSOMAL RECESSIVE; MUTYH-associated polyposis; MUTYH-related attenuated familial adenomatous polyposis; Adenomas, multiple colorectal. Identifiers: Orphanet 220460, Orphanet 247798, MedGen C3272841, MONDO:0012041, OMIM 608456.

Allele frequency attached by ClinVar (database versions not stated): gnomAD exomes below 0.00001.

Submissions (2):

Ambry Genetics
Classification: Likely benign for Hereditary cancer-predisposing syndrome. Last evaluated: 2025-09-15. Review status: criteria provided, single submitter. Criteria: Ambry Variant Classification Scheme 2023. Collection method: clinical testing. Allele origin: germline.

Labcorp Genetics (formerly Invitae), Labcorp
Classification: Uncertain significance for Familial adenomatous polyposis 2. Last evaluated: 2024-12-05. Review status: criteria provided, single submitter. Criteria: Invitae Variant Classification Sherloc (09022015). Collection method: clinical testing. Allele origin: germline.
Comment: This sequence change replaces leucine, which is neutral and non-polar, with phenylalanine, which is neutral and non-polar, at codon 173 of the MUTYH protein (p.Leu173Phe). This variant is present in population databases (no rsID available, gnomAD 0.0009%). This variant has not been reported in the literature in individuals affected with MUTYH-related conditions. ClinVar contains an entry for this variant (Variation ID: 533297). An algorithm developed to predict the effect of missense changes on protein structure and function (PolyPhen-2) suggests that this variant is likely to be disruptive. In summary, the available evidence is currently insufficient to determine the role of this variant in disease. Therefore, it has been classified as a Variant of Uncertain Significance.

Literature cited by the submitters: PubMed 40738107 (cited by Ambry Genetics).

NM_001048174.2(MUTYH):c.433C>T (p.Leu145Phe)

Gene: MUTYH (mutY DNA glycosylase; minus strand). Cytogenetic location: 1p34.1.
Variant type: single nucleotide variant.
Coding change: c.433C>T on transcript NM_001048174.2 (MANE Select); coding-DNA position 433, C replaced by T.
Protein change: p.Leu145Phe; replaces leucine 145 with phenylalanine.
Molecular consequence: missense variant. On other transcripts: non-coding transcript variant (2).
Genome position (GRCh38, 1-based): chr1:45,332,822, G>A on the plus strand (C>T on the coding strand, the complement: MUTYH is on the minus strand). VCF-style: chr1-45332822-G-A. GRCh37 (hg19) VCF-style: chr1-45798494-G-A.
Other names: c.433C>T, p.Leu145Phe (NM_001048171.2, NM_001048173.2, NM_001293195.2); c.436C>T, p.Leu146Phe (NM_001048172.2); c.517C>T, p.Leu173Phe (NM_001128425.2); c.478C>T, p.Leu160Phe (NM_001293190.2); c.466C>T, p.Leu156Phe (NM_001293191.2); c.157C>T, p.Leu53Phe (NM_001293192.2, NM_001293196.2); c.88C>T, p.Leu30Phe (NM_001350650.2, NM_001350651.2); c.508C>T, p.Leu170Phe (NM_012222.3); short protein forms L173F, L146F, L160F, L156F, L170F, L53F, L145F, L30F.
Identifiers: ClinVar variation 533297 (VCV000533297.15), dbSNP rs1466705435, ClinGen allele CA340135810.
Genomic context (GRCh38, chr1:45,332,822, plus strand): 5'-CCTTCCGAGCTCCCTCCTGCAGCCGCCGGCCACGAGAATAGTAGCCCAGGCCAGCCCAGA[G>A]TTGATTCACCTCCTGTGGGTAGGATCAGAGGTCAAAGAGATCACCCGTCAGTCCCTCTAT-3'
Protein context (NP_001041639.1, residues 135-155): ASASLEEVNQ[Leu145Phe]WAGLGYYSRG